The following is an entry in ClinVar:

ClinVar aggregate classification (germline): Uncertain significance. Review status: criteria provided, multiple submitters, no conflicts (2 of 4 stars). 2 submissions from 2 submitters: Uncertain significance (2). Last evaluated 2023-02-13.

Conditions:
Hereditary breast ovarian cancer syndrome. Also called: Hereditary breast and ovarian cancer syndrome (HBOC); Hereditary breast and ovarian cancer; BRCA1- and BRCA2-Associated Hereditary Breast and Ovarian Cancer; Breast and ovarian cancer; Hereditary breast and ovarian cancer syndrome; Hereditary breast and/or ovarian cancer syndrome. Identifiers: Orphanet 145, MedGen C0677776, MeSH D061325, MONDO:0003582. Disease mechanism: loss of function.

Submissions (3):

Labcorp Genetics (formerly Invitae), Labcorp
Classification: Uncertain significance for Hereditary breast ovarian cancer syndrome. Last evaluated: 2023-02-13. Review status: criteria provided, single submitter. Criteria: Invitae Variant Classification Sherloc (09022015). Collection method: clinical testing. Allele origin: germline.
Comment: This sequence change replaces leucine, which is neutral and non-polar, with valine, which is neutral and non-polar, at codon 1679 of the BRCA1 protein (p.Leu1679Val). This variant is not present in population databases (gnomAD no frequency). This missense change has been observed in individual(s) with breast cancer (PMID: 32803532). ClinVar contains an entry for this variant (Variation ID: 665905). Advanced modeling performed at Invitae incorporating data from internal and/or published experimental studies (PMID: 30209399) indicates that this missense variant is not expected to disrupt BRCA1 function. Algorithms developed to predict the effect of sequence changes on RNA splicing suggest that this variant may create or strengthen a splice site. In summary, the available evidence is currently insufficient to determine the role of this variant in disease. Therefore, it has been classified as a Variant of Uncertain Significance.

Breast Center, Key Laboratory of Carcinogenesis and Translational Research
Classification: Uncertain significance for Hereditary breast and ovarian cancer syndrome. Last evaluated: 2020-05-01. Review status: criteria provided, single submitter. Criteria: ACMG Guidelines, 2015. Collection method: clinical testing. Allele origin: germline. Observed: 1 variant allele.

Brotman Baty Institute, University of Washington
No classification provided (evidence only). Condition: Breast-ovarian cancer, familial 1. Review status: no classification provided. Collection method: in vitro. Allele origin: not applicable. Functional consequence: functionally_normal. Not counted in ClinVar's aggregate classification.
ClinVar note: "not provided" was previously submitted as the classification for the variant. However, the classification appeared to be based only on an observation of functional data so it was converted to no classification on 2025-07-30.

Literature cited by the submitters: PubMed 32803532 (cited by Labcorp Genetics (formerly Invitae), Labcorp); PubMed 30209399 (cited by Labcorp Genetics (formerly Invitae), Labcorp and Breast Center, Key Laboratory of Carcinogenesis and Translational Research).

NM_007294.4(BRCA1):c.5035C>G (p.Leu1679Val)

Gene: BRCA1 (BRCA1 DNA repair associated; minus strand). Cytogenetic location: 17q21.31.
Variant type: single nucleotide variant.
Coding change: c.5035C>G on transcript NM_007294.4 (MANE Select); coding-DNA position 5035, C replaced by G.
Protein change: p.Leu1679Val; replaces leucine 1679 with valine.
Molecular consequence: missense variant. On other transcripts: non-coding transcript variant (1).
Genome position (GRCh38, 1-based): chr17:43,067,647, G>C on the plus strand (C>G on the coding strand, the complement: BRCA1 is on the minus strand). VCF-style: chr17-43067647-G-C. GRCh37 (hg19) VCF-style: chr17-41219664-G-C.
Other names: c.4906C>G, p.Leu1636Val (NM_001407685.1, NM_001407686.1, NM_001407941.1 and 6 more transcripts); c.4894C>G, p.Leu1632Val (NM_001407698.1, NM_001407724.1, NM_001407725.1 and 13 more transcripts); c.4891C>G, p.Leu1631Val (NM_001407742.1, NM_001407743.1, NM_001407744.1 and 21 more transcripts); c.4888C>G, p.Leu1630Val (NM_001407847.1, NM_001407848.1, NM_001407849.1 and 12 more transcripts); c.5035C>G, p.Leu1679Val (NM_001407854.1, NM_001407593.1, NM_001407594.1 and 8 more transcripts); c.5032C>G, p.Leu1678Val (NM_001407858.1, NM_001407618.1, NM_001407619.1 and 17 more transcripts); c.4825C>G, p.Leu1609Val (NM_001407884.1, NM_001407885.1, NM_001407886.1 and 5 more transcripts); c.4822C>G, p.Leu1608Val (NM_001407894.1, NM_001407895.1, NM_001407896.1 and 12 more transcripts); and 70 more; short protein forms L1632V, L1679V, L1700V, L575V, L1382V, L1551V, L1568V, L1590V.
Identifiers: ClinVar variation 665905 (VCV000665905.14), dbSNP rs934248073, ClinGen allele CA10591445.